The following is an entry in ClinVar:

ClinVar aggregate classification (germline): Benign (1 of 4 stars; one submission).

Conditions:
Atypical hemolytic-uremic syndrome. Identifiers: Orphanet 2134, MedGen C2931788, MONDO:0016244.
Basal laminar drusen. Also called: DRUSEN OF BRUCH MEMBRANE; DRUSEN, CUTICULAR; DRUSEN, EARLY ADULT-ONSET, GROUPED. Identifiers: Orphanet 75376, MedGen C0730295, MONDO:0007472, OMIM 126700.
Factor H deficiency (CFHD). Also called: COMPLEMENT FACTOR H DEFICIENCY; CFH DEFICIENCY. Identifiers: Orphanet 200421, MedGen C0398777, MONDO:0012350, OMIM 609814.
Age related macular degeneration 4. Identifiers: MedGen C1853147, MONDO:0012540, OMIM 610698.

gnomAD v4.1: 66,799 of 151,904 alleles (44%); highest among the groups gnomAD compares: South Asian, 56%; 14,845 homozygotes.

Submission:

Genomenon, Inc
Classification: Benign for Basal laminar drusen; Age related macular degeneration 4; Atypical hemolytic-uremic syndrome; Factor H deficiency. Last evaluated: 2025-10-02. Review status: criteria provided, single submitter. Criteria: Genomenon Sequence Variant Interpretation Standards - Updated. Collection method: curation. Allele origin: germline. Affected: no.
Comment: CFH c.1337-3410A>C is a deep intronic variant located in intron 9. This variant is present at high allele frequency in population databases. In conclusion, we classify CFH c.1337-3410A>C as a benign variant.

NM_000186.4(CFH):c.1337-3410A>C

Gene: CFH (complement factor H; plus strand). Cytogenetic location: 1q31.3.
Variant type: single nucleotide variant.
Coding change: c.1337-3410A>C on transcript NM_000186.4 (MANE Select); 3410 bases into the intron before coding-DNA position 1337, A replaced by C.
Molecular consequence: intron variant.
Genome position (GRCh38, 1-based): chr1:196,710,325, A>C. VCF-style: chr1-196710325-A-C. GRCh37 (hg19) VCF-style: chr1-196679455-A-C.
Identifiers: ClinVar variation 4291385 (VCV004291385.1).